The following is an entry in ClinVar:

ClinVar aggregate classification (germline): Uncertain significance. Review status: criteria provided, multiple submitters, no conflicts (2 of 4 stars). 4 submissions from 4 submitters: Uncertain significance (4). Last evaluated 2024-11-28.

Conditions:
Sessile serrated polyposis cancer syndrome (SSPCS). Identifiers: Orphanet 157798, MedGen C4310714, MONDO:0014919, OMIM 617108.

Allele frequency attached by ClinVar (database versions not stated): gnomAD exomes 0.00002; ExAC 0.00003; gnomAD 0.00003 and 0.00005; TOPMed 0.00003; ESP Exome Variant Server 0.00008.
gnomAD v4.1: 40 of 1,613,094 alleles (0.0025%); highest among the groups gnomAD compares: East Asian, 0.033%; no homozygotes.

Submissions (4):

Ambry Genetics
Classification: Uncertain significance. Last evaluated: 2024-11-28. Review status: criteria provided, single submitter. Criteria: Ambry Variant Classification Scheme 2023. Collection method: clinical testing. Allele origin: germline.
Comment: The p.R27C variant (also known as c.79C>T), located in coding exon 1 of the RNF43 gene, results from a C to T substitution at nucleotide position 79. The arginine at codon 27 is replaced by cysteine, an amino acid with highly dissimilar properties. This amino acid position is conserved. In addition, this alteration is predicted to be tolerated by in silico analysis. Based on the available evidence, the clinical significance of this variant remains unclear.

GeneDx
Classification: Uncertain significance. Last evaluated: 2024-08-11. Review status: criteria provided, single submitter. Criteria: GeneDx Variant Classification Process June 2021. Collection method: clinical testing. Allele origin: germline. Affected: yes.
Comment: In silico analysis indicates that this missense variant does not alter protein structure/function; Has not been previously published as pathogenic or benign to our knowledge; This variant is associated with the following publications: (PMID: 26934580)

Baylor Genetics
Classification: Uncertain significance for Sessile serrated polyposis cancer syndrome. Last evaluated: 2024-02-25. Review status: criteria provided, single submitter. Criteria: ACMG Guidelines, 2015. Collection method: clinical testing. Allele origin: unknown.

Labcorp Genetics (formerly Invitae), Labcorp
Classification: Uncertain significance. Last evaluated: 2022-12-03. Review status: criteria provided, single submitter. Criteria: Invitae Variant Classification Sherloc (09022015). Collection method: clinical testing. Allele origin: germline.
Comment: This sequence change replaces arginine, which is basic and polar, with cysteine, which is neutral and slightly polar, at codon 27 of the RNF43 protein (p.Arg27Cys). In summary, the available evidence is currently insufficient to determine the role of this variant in disease. Therefore, it has been classified as a Variant of Uncertain Significance. Algorithms developed to predict the effect of missense changes on protein structure and function are either unavailable or do not agree on the potential impact of this missense change (SIFT: "Deleterious"; PolyPhen-2: "Possibly Damaging"; Align-GVGD: "Class C0"). ClinVar contains an entry for this variant (Variation ID: 1002795). This variant has not been reported in the literature in individuals affected with RNF43-related conditions. This variant is present in population databases (rs138226300, gnomAD 0.01%).

NM_017763.6(RNF43):c.79C>T (p.Arg27Cys)

Gene: RNF43 (ring finger protein 43; minus strand). Cytogenetic location: 17q22.
Variant type: single nucleotide variant.
Coding change: c.79C>T on transcript NM_017763.6 (MANE Select); coding-DNA position 79, C replaced by T.
Protein change: p.Arg27Cys; replaces arginine 27 with cysteine.
Molecular consequence: missense variant.
Genome position (GRCh38, 1-based): chr17:58,415,499, G>A on the plus strand (C>T on the coding strand, the complement: RNF43 is on the minus strand). VCF-style: chr17-58415499-G-A. GRCh37 (hg19) VCF-style: chr17-56492860-G-A.
Other names: c.79C>T, p.Arg27Cys (NM_001305544.3); c.79C>T (NM_017763.4); short protein forms R27C.
Identifiers: ClinVar variation 1002795 (VCV001002795.10), dbSNP rs138226300, ClinGen allele CA8673516.